The following is an entry in ClinVar:

NM_004441.5(EPHB1):c.1656C>T (p.Phe552=)

Gene: EPHB1 (EPH receptor B1; plus strand). Cytogenetic location: 3q22.2.
Variant type: single nucleotide variant.
Coding change: c.1656C>T on transcript NM_004441.5 (MANE Select); coding-DNA position 1656, C replaced by T.
Protein change: p.Phe552=; no amino-acid change (phenylalanine 552 retained).
Molecular consequence: synonymous variant.
Genome position (GRCh38, 1-based): chr3:135,166,038, C>T. VCF-style: chr3-135166038-C-T. GRCh37 (hg19) VCF-style: chr3-134884880-C-T.
Identifiers: ClinVar variation 717504 (VCV000717504.28), dbSNP rs56372452, ClinGen allele CA2629906.

ClinVar aggregate classification (germline): Benign/Likely benign. Review status: criteria provided, multiple submitters, no conflicts (2 of 4 stars). 3 submissions from 3 submitters: Benign (2); Likely benign (1). Last evaluated 2023-03-01.

Allele frequency attached by ClinVar (database versions not stated): 1000 Genomes Project 30x 0.00250; 1000 Genomes Project 0.00260; TOPMed 0.00270; gnomAD 0.00292 and 0.00293; ESP Exome Variant Server 0.00298; gnomAD exomes 0.00308; ExAC 0.00340.
gnomAD v4.1: 5,196 of 1,613,826 alleles (0.32%); highest among the groups gnomAD compares: Middle Eastern, 1.5%; 20 homozygotes.

Submissions (3):

CeGaT Center for Human Genetics Tuebingen
Classification: Likely benign. Last evaluated: 2023-03-01. Review status: criteria provided, single submitter. Criteria: CeGaT Center For Human Genetics Tuebingen Variant Classification Criteria Version 2. Collection method: clinical testing. Allele origin: germline. Affected: yes. Observed: 2 variant alleles.
Comment: EPHB1: BP4, BP7, BS2

Labcorp Genetics (formerly Invitae), Labcorp
Classification: Benign. Last evaluated: 2018-06-13. Review status: criteria provided, single submitter. Criteria: Invitae Variant Classification Sherloc (09022015). Collection method: clinical testing. Allele origin: germline.

Breakthrough Genomics
Classification: Benign. Review status: criteria provided, single submitter. Criteria: ACMG Guidelines, 2015. Collection method: not provided. Allele origin: germline. Inheritance: Unknown mechanism. Affected: yes.